The following is an entry in ClinVar:

NM_017763.6(RNF43):c.1623A>C (p.Glu541Asp)

Gene: RNF43 (ring finger protein 43; minus strand). Cytogenetic location: 17q22.
Variant type: single nucleotide variant.
Coding change: c.1623A>C on transcript NM_017763.6 (MANE Select); coding-DNA position 1623, A replaced by C.
Protein change: p.Glu541Asp; replaces glutamic acid 541 with aspartic acid.
Molecular consequence: missense variant.
Genome position (GRCh38, 1-based): chr17:58,358,153, T>G on the plus strand (A>C on the coding strand, the complement: RNF43 is on the minus strand). VCF-style: chr17-58358153-T-G. GRCh37 (hg19) VCF-style: chr17-56435514-T-G.
Other names: c.1623A>C, p.Glu541Asp (NM_001305544.3); c.1242A>C, p.Glu414Asp (NM_001305545.2); short protein forms E541D, E414D.
Identifiers: ClinVar variation 3789868 (VCV003789868.1).

ClinVar aggregate classification (germline): Uncertain significance (1 of 4 stars; one submission).

Submission:

Ambry Genetics
Classification: Uncertain significance. Last evaluated: 2024-12-23. Review status: criteria provided, single submitter. Criteria: Ambry Variant Classification Scheme 2023. Collection method: clinical testing. Allele origin: germline.
Comment: The p.E541D variant (also known as c.1623A>C), located in coding exon 8 of the RNF43 gene, results from an A to C substitution at nucleotide position 1623. The glutamic acid at codon 541 is replaced by aspartic acid, an amino acid with highly similar properties. This amino acid position is conserved. In addition, this alteration is predicted to be tolerated by in silico analysis. Based on the available evidence, the clinical significance of this variant remains unclear.